The following is an entry in ClinVar:

ClinVar aggregate classification (germline): Uncertain significance (1 of 4 stars; one submission).

Conditions:
Inborn genetic diseases. Identifiers: MedGen C0950123, MeSH D030342.

Submission:

Ambry Genetics
Classification: Uncertain significance for Inborn genetic diseases. Last evaluated: 2025-07-12. Review status: criteria provided, single submitter. Criteria: Ambry Variant Classification Scheme 2023. Collection method: clinical testing. Allele origin: germline.
Comment: The p.M1376V variant (also known as c.4126A>G), located in coding exon 1 of the SAMD9L gene, results from an A to G substitution at nucleotide position 4126. The methionine at codon 1376 is replaced by valine, an amino acid with highly similar properties. This amino acid position is conserved. In addition, this alteration is predicted to be tolerated by in silico analysis. Based on the available evidence, the clinical significance of this variant remains unclear.

NM_152703.5(SAMD9L):c.4126A>G (p.Met1376Val)

Gene: SAMD9L (sterile alpha motif domain containing 9 like; minus strand). Cytogenetic location: 7q21.2.
Variant type: single nucleotide variant.
Coding change: c.4126A>G on transcript NM_152703.5 (MANE Select); coding-DNA position 4126, A replaced by G.
Protein change: p.Met1376Val; replaces methionine 1376 with valine.
Molecular consequence: missense variant.
Genome position (GRCh38, 1-based): chr7:93,131,846, T>C on the plus strand (A>G on the coding strand, the complement: SAMD9L is on the minus strand). VCF-style: chr7-93131846-T-C. GRCh37 (hg19) VCF-style: chr7-92761159-T-C.
Other names: c.4126A>G, p.Met1376Val (NM_001303496.3, NM_001303497.3, NM_001303498.3 and 5 more transcripts); short protein forms M1376V.
Identifiers: ClinVar variation 4159324 (VCV004159324.1).